The following is an entry in ClinVar:

NM_021729.6(VPS11):c.1418TCA[1] (p.Ile474del)

Gene: VPS11 (VPS11 core subunit of CORVET and HOPS complexes; plus strand). Cytogenetic location: 11q23.3.
Variant type: Microsatellite.
Coding change: c.1418TCA[1] on transcript NM_021729.6 (MANE Select); one copy of the 3-base unit TCA starting at c.1418; the reference has two copies in a row; one copy, 3 bases deleted.
Protein change: p.Ile474del; deletes isoleucine 474.
Molecular consequence: inframe deletion. On other transcripts: non-coding transcript variant (8).
Genome position (GRCh38, 1-based): chr11:119,077,079-119,077,081, TCA deleted; deleting any 3 consecutive bases within chr11:119,077,076-119,077,081 gives the same sequence; the position shown is the placement nearest the transcript's 3' end. VCF-style (leftmost placement, unchanged base first): chr11-119077075-TTCA-T. GRCh37 (hg19) VCF-style: chr11-118947785-TTCA-T.
Other names: c.1388TCA[1], p.Ile464del (NM_001290185.2); c.1430TCA[1], p.Ile478del (NM_001378218.1, NM_001378219.1); c.1403TCA[1], p.Ile469del (NM_001378220.1); c.1400TCA[1], p.Ile468del (NM_001378221.1); short protein forms I464del, I468del, I469del, I474del, I478del.
Identifiers: ClinVar variation 3026375 (VCV003026375.22), dbSNP rs782253145, ClinGen allele CA6313415.

ClinVar aggregate classification (germline): Uncertain significance (1 of 4 stars; one submission).

Submission:

CeGaT Center for Human Genetics Tuebingen
Classification: Uncertain significance. Last evaluated: 2024-01-01. Review status: criteria provided, single submitter. Criteria: CeGaT Center For Human Genetics Tuebingen Variant Classification Criteria Version 2. Collection method: clinical testing. Allele origin: germline. Affected: yes. Observed: 1 variant allele.
Comment: VPS11: PM2, PM4